The following is an entry in ClinVar:

NM_176824.3(BBS7):c.1231-3T>C

Gene: BBS7 (Bardet-Biedl syndrome 7; minus strand). Cytogenetic location: 4q27.
Variant type: single nucleotide variant.
Coding change: c.1231-3T>C on transcript NM_176824.3 (MANE Select); 3 bases into the intron before coding-DNA position 1231, T replaced by C.
Molecular consequence: intron variant.
Genome position (GRCh38, 1-based): chr4:121,844,004, A>G on the plus strand (T>C on the coding strand, the complement: BBS7 is on the minus strand). VCF-style: chr4-121844004-A-G. GRCh37 (hg19) VCF-style: chr4-122765159-A-G.
Other names: c.1231-3T>C (NM_018190.4, NM_176824.2).
Identifiers: ClinVar variation 1465937 (VCV001465937.8), dbSNP rs1725872645, ClinGen allele CA1490021633.

ClinVar aggregate classification (germline): Uncertain significance. Review status: criteria provided, single submitter (1 of 4 stars). 2 submissions from 2 submitters: Uncertain significance (1). 1 of the submissions does not count toward it. Last evaluated 2021-04-06.

Conditions:
Bardet-Biedl syndrome (BBS). Identifiers: Orphanet 110, MedGen C0752166, MONDO:0015229.
BBS7-related disorder. Also called: BBS7-related condition.

Allele frequency attached by ClinVar (database versions not stated): TOPMed 0.00001.

Submissions (2):

Labcorp Genetics (formerly Invitae), Labcorp
Classification: Uncertain significance for Bardet-Biedl syndrome. Last evaluated: 2021-04-06. Review status: criteria provided, single submitter. Criteria: Invitae Variant Classification Sherloc (09022015). Collection method: clinical testing. Allele origin: germline.
Comment: In summary, the available evidence is currently insufficient to determine the role of this variant in disease. Therefore, it has been classified as a Variant of Uncertain Significance. Nucleotide substitutions within the consensus splice site are a relatively common cause of aberrant splicing (PMID: 17576681, 9536098). Algorithms developed to predict the effect of sequence changes on RNA splicing suggest that this variant is not likely to affect RNA splicing, but this prediction has not been confirmed by published transcriptional studies. This variant has not been reported in the literature in individuals with BBS7-related conditions. This variant is not present in population databases (ExAC no frequency). This sequence change falls in intron 11 of the BBS7 gene. It does not directly change the encoded amino acid sequence of the BBS7 protein. It affects a nucleotide within the consensus splice site of the intron.

PreventionGenetics, part of Exact Sciences
Classification: Likely benign for BBS7-related condition. Last evaluated: 2020-10-30. Review status: no assertion criteria provided. Collection method: clinical testing. Allele origin: germline. Not counted in ClinVar's aggregate classification.
Comment: This variant is classified as likely benign based on ACMG/AMP sequence variant interpretation guidelines (Richards et al. 2015 PMID: 25741868, with internal and published modifications).

Literature cited by the submitters: PubMed 17576681 (cited by Labcorp Genetics (formerly Invitae), Labcorp); PubMed 9536098 (cited by Labcorp Genetics (formerly Invitae), Labcorp).